The following is an entry in ClinVar:

ClinVar aggregate classification (germline): Uncertain significance. Review status: criteria provided, multiple submitters, no conflicts (2 of 4 stars). 3 submissions from 3 submitters: Uncertain significance (3). Last evaluated 2024-11-25.

Conditions:
Inborn genetic diseases. Identifiers: MedGen C0950123, MeSH D030342.

Allele frequency attached by ClinVar (database versions not stated): gnomAD exomes 0.00001; TOPMed 0.00002; ExAC 0.00004; gnomAD 0.00005; 1000 Genomes Project 30x 0.00031.
gnomAD v4.1: 31 of 1,614,020 alleles (0.0019%); highest among the groups gnomAD compares: East Asian, 0.049%; no homozygotes.

Submissions (3):

Labcorp Genetics (formerly Invitae), Labcorp
Classification: Uncertain significance. Last evaluated: 2024-11-25. Review status: criteria provided, single submitter. Criteria: Invitae Variant Classification Sherloc (09022015). Collection method: clinical testing. Allele origin: germline.
Comment: This sequence change replaces aspartic acid, which is acidic and polar, with asparagine, which is neutral and polar, at codon 1040 of the OBSL1 protein (p.Asp1040Asn). This variant is present in population databases (rs778964354, gnomAD 0.07%). This variant has not been reported in the literature in individuals affected with OBSL1-related conditions. ClinVar contains an entry for this variant (Variation ID: 2161776). An algorithm developed to predict the effect of missense changes on protein structure and function (PolyPhen-2) suggests that this variant is likely to be disruptive. In summary, the available evidence is currently insufficient to determine the role of this variant in disease. Therefore, it has been classified as a Variant of Uncertain Significance.

Blueprint Genetics
Classification: Uncertain significance. Last evaluated: 2024-02-13. Review status: criteria provided, single submitter. Criteria: ACMG Guidelines, 2015. Collection method: clinical testing. Allele origin: germline.

Ambry Genetics
Classification: Uncertain significance for Inborn genetic diseases. Last evaluated: 2021-08-02. Review status: criteria provided, single submitter. Criteria: Ambry Variant Classification Scheme 2023. Collection method: clinical testing. Allele origin: germline.

NM_015311.3(OBSL1):c.3118G>A (p.Asp1040Asn)

Gene: OBSL1 (obscurin like cytoskeletal adaptor 1; minus strand). Cytogenetic location: 2q35.
Variant type: single nucleotide variant.
Coding change: c.3118G>A on transcript NM_015311.3 (MANE Select); coding-DNA position 3118, G replaced by A.
Protein change: p.Asp1040Asn; replaces aspartic acid 1040 with asparagine.
Molecular consequence: missense variant.
Genome position (GRCh38, 1-based): chr2:219,559,333, C>T on the plus strand (G>A on the coding strand, the complement: OBSL1 is on the minus strand). VCF-style: chr2-219559333-C-T. GRCh37 (hg19) VCF-style: chr2-220424055-C-T.
Other names: c.3118G>A, p.Asp1040Asn (NM_001173431.2); c.3118G>A (NM_015311.2); short protein forms D1040N.
Identifiers: ClinVar variation 2161776 (VCV002161776.4), dbSNP rs778964354, ClinGen allele CA2130960.